The following is an entry in ClinVar:

NM_206937.2(LIG4):c.288G>C (p.Leu96Phe)

Gene: LIG4 (DNA ligase 4; minus strand). Cytogenetic location: 13q33.3.
Variant type: single nucleotide variant.
Coding change: c.288G>C on transcript NM_206937.2 (MANE Select); coding-DNA position 288, G replaced by C.
Protein change: p.Leu96Phe; replaces leucine 96 with phenylalanine.
Molecular consequence: missense variant.
Genome position (GRCh38, 1-based): chr13:108,210,981, C>G on the plus strand (G>C on the coding strand, the complement: LIG4 is on the minus strand). VCF-style: chr13-108210981-C-G. GRCh37 (hg19) VCF-style: chr13-108863329-C-G.
Other names: c.288G>C, p.Leu96Phe (NM_001098268.2, NM_001352598.2, NM_001352599.2 and 6 more transcripts); c.87G>C, p.Leu29Phe (NM_001330595.2); c.324G>C, p.Leu108Phe (NM_001352604.2); short protein forms L108F, L29F, L96F.
Identifiers: ClinVar variation 2056167 (VCV002056167.1), dbSNP rs1194460959, ClinGen allele CA388623735.

ClinVar aggregate classification (germline): Uncertain significance (1 of 4 stars; one submission).

Conditions:
DNA ligase IV deficiency. Identifiers: Orphanet 99812, MedGen C1847827, MONDO:0011686, OMIM 606593.

Allele frequency attached by ClinVar (database versions not stated): gnomAD exomes below 0.00001.
gnomAD v4.1: 1 of 1,612,452 alleles (0.000062%); highest among the groups gnomAD compares: Non-Finnish European, 0.000085%; no homozygotes.

Submission:

Labcorp Genetics (formerly Invitae), Labcorp
Classification: Uncertain significance for DNA ligase IV deficiency. Last evaluated: 2022-06-19. Review status: criteria provided, single submitter. Criteria: Invitae Variant Classification Sherloc (09022015). Collection method: clinical testing. Allele origin: germline.
Comment: This sequence change replaces leucine, which is neutral and non-polar, with phenylalanine, which is neutral and non-polar, at codon 96 of the LIG4 protein (p.Leu96Phe). This variant is not present in population databases (gnomAD no frequency). This variant has not been reported in the literature in individuals affected with LIG4-related conditions. Algorithms developed to predict the effect of missense changes on protein structure and function are either unavailable or do not agree on the potential impact of this missense change (SIFT: "Tolerated"; PolyPhen-2: "Possibly Damaging"; Align-GVGD: "Class C0"). In summary, the available evidence is currently insufficient to determine the role of this variant in disease. Therefore, it has been classified as a Variant of Uncertain Significance.